The following is an entry in ClinVar:

ClinVar aggregate classification (germline): Uncertain significance. Review status: criteria provided, multiple submitters, no conflicts (2 of 4 stars). 2 submissions from 2 submitters: Uncertain significance (2). Last evaluated 2021-11-01.

Conditions:
Finnish congenital nephrotic syndrome (NPHS1). Also called: NEPHROTIC SYNDROME, TYPE 1. Identifiers: Orphanet 839, MedGen C0403399, MONDO:0009732, OMIM 256300.

Submissions (2):

Fulgent Genetics
Classification: Uncertain significance for Finnish congenital nephrotic syndrome. Last evaluated: 2021-11-01. Review status: criteria provided, single submitter. Criteria: ACMG Guidelines, 2015. Collection method: clinical testing. Allele origin: unknown.

Labcorp Genetics (formerly Invitae), Labcorp
Classification: Uncertain significance. Last evaluated: 2021-08-27. Review status: criteria provided, single submitter. Criteria: Invitae Variant Classification Sherloc (09022015). Collection method: clinical testing. Allele origin: germline.
Comment: This sequence change replaces histidine with proline at codon 842 of the NPHS1 protein (p.His842Pro). The histidine residue is weakly conserved and there is a moderate physicochemical difference between histidine and proline. This variant is not present in population databases (ExAC no frequency). This variant has not been reported in the literature in individuals affected with NPHS1-related conditions. Algorithms developed to predict the effect of missense changes on protein structure and function (SIFT, PolyPhen-2, Align-GVGD) all suggest that this variant is likely to be tolerated. In summary, the available evidence is currently insufficient to determine the role of this variant in disease. Therefore, it has been classified as a Variant of Uncertain Significance.

NM_004646.4(NPHS1):c.2525A>C (p.His842Pro)

Gene: NPHS1 (NPHS1 adhesion molecule, nephrin; minus strand). Cytogenetic location: 19q13.12.
Variant type: single nucleotide variant.
Coding change: c.2525A>C on transcript NM_004646.4 (MANE Select); coding-DNA position 2525, A replaced by C.
Protein change: p.His842Pro; replaces histidine 842 with proline.
Molecular consequence: missense variant.
Genome position (GRCh38, 1-based): chr19:35,842,262, T>G on the plus strand (A>C on the coding strand, the complement: NPHS1 is on the minus strand). VCF-style: chr19-35842262-T-G. GRCh37 (hg19) VCF-style: chr19-36333164-T-G.
Other names: short protein forms H842P.
Identifiers: ClinVar variation 1004356 (VCV001004356.7), dbSNP rs1599841693, ClinGen allele CA405392150.
Genomic context (GRCh38, chr19:35,842,262, plus strand): 5'-TGGAGGGTGGCAGAACTGGTGCTGTCTCCAGCTGCAGCCACCTTAGTTAGGGGAGTGGGG[T>G]GCTCCACCTGGGGGGCAACTGGGAGGGGATGGGCAGTCAACATGAGCTATGTGGGAGACA-3'
Protein context (NP_004637.1, residues 832-852): LVVRFAPQVE[His842Pro]PTPLTKVAAA